The following is an entry in ClinVar:

ClinVar aggregate classification (germline): Uncertain significance (1 of 4 stars; one submission).

Conditions:
Tuberous sclerosis 1 (TSC1). Identifiers: Orphanet 805, MedGen C1854465, MONDO:0008612, OMIM 191100.

Submission:

Labcorp Genetics (formerly Invitae), Labcorp
Classification: Uncertain significance for Tuberous sclerosis 1. Last evaluated: 2021-08-24. Review status: criteria provided, single submitter. Criteria: Invitae Variant Classification Sherloc (09022015). Collection method: clinical testing. Allele origin: germline.
Comment: In summary, the available evidence is currently insufficient to determine the role of this variant in disease. Therefore, it has been classified as a Variant of Uncertain Significance. Experimental studies and prediction algorithms are not available for this variant, and the functional significance of the affected amino acid(s) is currently unknown. This variant has not been reported in the literature in individuals with TSC1-related disease. This variant is not present in population databases (ExAC no frequency). This sequence change results in a premature translational stop signal in the TSC1 gene (p.Asp1146Thrfs*22). While this is not anticipated to result in nonsense mediated decay, it is expected to disrupt the last 19 amino acids of the TSC1 protein.

NM_000368.5(TSC1):c.3436del (p.Asp1146fs)

Gene: TSC1 (TSC complex subunit 1; minus strand). Cytogenetic location: 9q34.13.
Variant type: Deletion.
Coding change: c.3436del on transcript NM_000368.5 (MANE Select); coding-DNA position 3436, one base deleted (G; older notation c.3436delG).
Protein change: p.Asp1146fs; shifts the reading frame from aspartic acid 1146.
Molecular consequence: frameshift variant.
Genome position (GRCh38, 1-based): chr9:132,896,294, C deleted on the plus strand (G on the coding strand, the reverse complement: TSC1 is on the minus strand); the first of 2 consecutive C bases (chr9:132,896,294-132,896,295); deleting either gives the same sequence. VCF-style (leftmost placement, unchanged base first): chr9-132896293-TC-T. GRCh37 (hg19) VCF-style: chr9-135771680-TC-T.
Other names: c.3436delG (NM_000368.4); c.3433del, p.Asp1145fs (NM_001162426.2); c.3283del, p.Asp1095fs (NM_001162427.2); c.3073del, p.Asp1025fs (NM_001362177.2); short protein forms D1145fs, D1025fs, D1095fs, D1146fs.
Identifiers: ClinVar variation 643567 (VCV000643567.8), dbSNP rs1588285924, ClinGen allele CA915947217.